The following is an entry in ClinVar:

NM_000077.5(CDKN2A):c.70C>T (p.Arg24Trp)

Gene: CDKN2A (cyclin dependent kinase inhibitor 2A; minus strand). Cytogenetic location: 9p21.3.
Variant type: single nucleotide variant.
Coding change: c.70C>T on transcript NM_000077.5; coding-DNA position 70, C replaced by T.
Protein change: p.Arg24Trp; replaces arginine 24 with tryptophan.
Molecular consequence: missense variant (on NM_000077.6). On other transcripts: intron variant (2).
Genome position (GRCh38, 1-based): chr9:21,974,758, G>A on the plus strand (C>T on the coding strand, the complement: CDKN2A is on the minus strand). VCF-style: chr9-21974758-G-A. GRCh37 (hg19) VCF-style: chr9-21974757-G-A.
Other names: c.70C>T, p.Arg24Trp (NM_000077.6, NM_001195132.2, NM_058197.5); c.-3-3550C>T (NM_001363763.2); c.194-3550C>T (NM_058195.4); short protein forms R24W.
Identifiers: ClinVar variation 4633876 (VCV004633876.1).

ClinVar aggregate classification (germline): Uncertain significance (1 of 4 stars; one submission).

Conditions:
Hereditary cancer-predisposing syndrome. Also called: Neoplastic Syndromes, Hereditary; Tumor predisposition; Hereditary neoplastic syndrome; Hereditary Cancer Syndrome. Identifiers: Orphanet 140162, MedGen C0027672, MeSH D009386, MONDO:0015356.

Submission:

Ambry Genetics
Classification: Uncertain significance for Hereditary cancer-predisposing syndrome. Last evaluated: 2025-10-15. Review status: criteria provided, single submitter. Criteria: Ambry Variant Classification Scheme 2023. Collection method: clinical testing. Allele origin: germline.
Comment: The p.R24W variant (also known as c.70C>T), located in coding exon 1 of the CDKN2A gene, results from a C to T substitution at nucleotide position 70. The arginine at codon 24 is replaced by tryptophan, an amino acid with dissimilar properties. This amino acid position is not well conserved in available vertebrate species. In addition, this alteration is predicted to be tolerated by in silico analysis. Based on the available evidence, the clinical significance of this variant remains unclear.